The following is an entry in ClinVar:

ClinVar aggregate classification (germline): Likely pathogenic (1 of 4 stars; one submission).

Conditions:
Epidermolysis bullosa simplex with nail dystrophy (EBS5D). Identifiers: MedGen C4225309, MONDO:0014661, OMIM 616487.

Submission:

Diagnostics Services (NGS), CSIR - Centre For Cellular And Molecular Biology
Classification: Likely pathogenic for Epidermolysis bullosa simplex with nail dystrophy. Last evaluated: 2023-06-19. Review status: criteria provided, single submitter. Criteria: ACMG Guidelines, 2015. Collection method: clinical testing. Allele origin: unknown. Affected: yes. Observed: 1 variant allele, 1 heterozygote.
Comment: The c.6240_6244del variant is not present in publicly available population databases like 1000 Genomes, ExAC, EVS, gnomAD, Indian Exome Database or our in-house exome database. This variant has neither been published in literature nor reported to clinical databases like in ClinVar, Human Gene Mutation Database (HGMD) or OMIM, in any affected individuals. In-silico pathogenicity prediction programs like MutationTaster2, CADD, Varsome, InterVar etc predicted this variant to be likely deleterious. The c.6240_6244del variant causes frameshift at the 2082nd position of the wild-type transcript which creates a premature translational stop signal at the altered transcript that may either result in translation of a truncated protein or cause nonsense mediated decay (NMD) of the mRNA.

NM_201384.3(PLEC):c.6240_6244del (p.Glu2082fs)

Gene: PLEC (plectin; minus strand). Cytogenetic location: 8q24.3.
Variant type: Deletion.
Coding change: c.6240_6244del on transcript NM_201384.3 (MANE Select); coding-DNA positions 6240 to 6244, 5 bases deleted (CGGCG; older notation c.6240_6244delCGGCG).
Protein change: p.Glu2082fs; shifts the reading frame from glutamic acid 2082.
Molecular consequence: frameshift variant. On other transcripts: intron variant (1).
Genome position (GRCh38, 1-based): chr8:143,923,685-143,923,689, CGCCG deleted on the plus strand (CGGCG on the coding strand, the reverse complement: PLEC is on the minus strand); deleting any 5 consecutive bases within chr8:143,923,685-143,923,692 gives the same sequence; the c. name uses the placement nearest the transcript's 3' end. VCF-style (leftmost placement, unchanged base first): chr8-143923684-TCGCCG-T. GRCh37 (hg19) VCF-style: chr8-144997852-TCGCCG-T.
Other names: c.6321_6325del, p.Glu2109fs (NM_000445.5); c.6198_6202del, p.Glu2068fs (NM_201378.4); c.6174_6178del, p.Glu2060fs (NM_201379.3); c.6651_6655del, p.Glu2219fs (NM_201380.4); c.6144_6148del, p.Glu2050fs (NM_201381.3); c.6240_6244del, p.Glu2082fs (NM_201382.4); c.6252_6256del, p.Glu2086fs (NM_201383.3); c.4126-1294_4126-1290del (NM_001410941.1); short protein forms E2050fs, E2060fs, E2068fs, E2082fs, E2086fs, E2109fs, E2219fs.
Identifiers: ClinVar variation 2506496 (VCV002506496.1), dbSNP rs2537779184, ClinGen allele CA2580617247.